The following is an entry in ClinVar:

NM_005120.3(MED12):c.357C>G (p.Asp119Glu)

Gene: MED12 (mediator complex subunit 12; plus strand). Cytogenetic location: Xq13.1.
Variant type: single nucleotide variant.
Coding change: c.357C>G on transcript NM_005120.3 (MANE Select); coding-DNA position 357, C replaced by G.
Protein change: p.Asp119Glu; replaces aspartic acid 119 with glutamic acid.
Molecular consequence: missense variant.
Genome position (GRCh38, 1-based): chrX:71,119,838, C>G. VCF-style: chrX-71119838-C-G. GRCh37 (hg19) VCF-style: chrX-70339688-C-G.
Other names: short protein forms D119E.
Identifiers: ClinVar variation 1732869 (VCV001732869.5), dbSNP rs1256975265, ClinGen allele CA413499531.

ClinVar aggregate classification (germline): Uncertain significance. Review status: criteria provided, multiple submitters, no conflicts (2 of 4 stars). 2 submissions from 2 submitters: Uncertain significance (2). Last evaluated 2025-05-06.

Conditions:
FG syndrome (FGS). Identifiers: MedGen C0220769, MONDO:0002010.
Familial thoracic aortic aneurysm and aortic dissection (TAAD). Also called: Thoracic aortic aneurysms and dissections. Identifiers: Orphanet 91387, MedGen C4707243, MONDO:0019625.

Allele frequency attached by ClinVar (database versions not stated): gnomAD exomes 0.00001.
gnomAD v4.1: 8 of 1,211,540 alleles (0.00066%); highest among the groups gnomAD compares: South Asian, 0.007%; no homozygotes.

Submissions (2):

Labcorp Genetics (formerly Invitae), Labcorp
Classification: Uncertain significance for FG syndrome. Last evaluated: 2025-05-06. Review status: criteria provided, single submitter. Criteria: Invitae Variant Classification Sherloc (09022015). Collection method: clinical testing. Allele origin: germline.
Comment: This sequence change replaces aspartic acid, which is acidic and polar, with glutamic acid, which is acidic and polar, at codon 119 of the MED12 protein (p.Asp119Glu). This variant is present in population databases (no rsID available, gnomAD 0.001%), including at least one homozygous and/or hemizygous individual. This variant has not been reported in the literature in individuals affected with MED12-related conditions. ClinVar contains an entry for this variant (Variation ID: 1732869). Invitae Evidence Modeling of protein sequence and biophysical properties (such as structural, functional, and spatial information, amino acid conservation, physicochemical variation, residue mobility, and thermodynamic stability) has been performed for this missense variant. However, the output from this modeling did not meet the statistical confidence thresholds required to predict the impact of this variant on MED12 protein function. In summary, the available evidence is currently insufficient to determine the role of this variant in disease. Therefore, it has been classified as a Variant of Uncertain Significance.

Ambry Genetics
Classification: Uncertain significance for Familial thoracic aortic aneurysm and aortic dissection. Last evaluated: 2023-05-04. Review status: criteria provided, single submitter. Criteria: Ambry Variant Classification Scheme 2023. Collection method: clinical testing. Allele origin: germline.